The following is an entry in ClinVar:

NM_000426.4(LAMA2):c.3412G>A (p.Val1138Met)

Gene: LAMA2 (laminin subunit alpha 2; plus strand). Cytogenetic location: 6q22.33.
Variant type: single nucleotide variant.
Coding change: c.3412G>A on transcript NM_000426.4 (MANE Select); coding-DNA position 3412, G replaced by A.
Protein change: p.Val1138Met; replaces valine 1138 with methionine.
Molecular consequence: missense variant.
Genome position (GRCh38, 1-based): chr6:129,314,655, G>A. VCF-style: chr6-129314655-G-A. GRCh37 (hg19) VCF-style: chr6-129635800-G-A.
Other names: c.3412G>A, p.Val1138Met (NM_001079823.2); short protein forms V1138M.
Identifiers: ClinVar variation 92952 (VCV000092952.29), dbSNP rs2306942, ClinGen allele CA146115.

ClinVar aggregate classification (germline): Benign/Likely benign. Review status: criteria provided, multiple submitters, no conflicts (2 of 4 stars). 14 submissions from 14 submitters: Benign (8); Likely benign (2). 4 of the submissions do not count toward it. Last evaluated 2026-02-04.

Conditions:
Congenital muscular dystrophy due to partial LAMA2 deficiency. Identifiers: MedGen C1842898.
Merosin deficient congenital muscular dystrophy (MDC1A). Also called: Congenital merosin-deficient muscular dystrophy 1A; Congenital Muscular Dystrophy Type 1A (MDC1A). Identifiers: Orphanet 258, MedGen C1263858, MONDO:0011925, OMIM 607855.
LAMA2-related muscular dystrophy (LAMA2-RD). Also called: Laminin alpha 2-related dystrophy. Identifiers: MedGen C5679788, MONDO:0100228.

Allele frequency attached by ClinVar (database versions not stated): gnomAD exomes 0.05432 and 0.06509; ExAC 0.06873; gnomAD 0.09045 and 0.09135; ESP Exome Variant Server 0.09111; TOPMed 0.09698; 1000 Genomes Project 0.12001; 1000 Genomes Project 30x 0.12227.
gnomAD v4.1: 93,700 of 1,612,986 alleles (5.8%); highest among the groups gnomAD compares: African/African-American, 19%; 3,884 homozygotes.

Submissions (14):

Labcorp Genetics (formerly Invitae), Labcorp
Classification: Benign for LAMA2-related muscular dystrophy. Last evaluated: 2026-02-04. Review status: criteria provided, single submitter. Criteria: Invitae Variant Classification Sherloc (09022015). Collection method: clinical testing. Allele origin: germline.

Blueprint Genetics
Classification: Benign. Last evaluated: 2024-11-26. Review status: criteria provided, single submitter. Criteria: ACMG Guidelines, 2015. Collection method: clinical testing. Allele origin: germline.

Women's Health and Genetics/Laboratory Corporation of America, LabCorp
Classification: Likely benign. Last evaluated: 2021-12-10. Review status: criteria provided, single submitter. Criteria: LabCorp Variant Classification Summary - May 2015. Collection method: clinical testing. Allele origin: germline.

Mayo Clinic Laboratories, Mayo Clinic
Classification: Benign. Last evaluated: 2018-07-16. Review status: criteria provided, single submitter. Criteria: ACMG Guidelines, 2015. Collection method: clinical testing. Allele origin: germline. Observed: 348 variant alleles.

Illumina Laboratory Services, Illumina
Classification: Benign for Congenital muscular dystrophy due to partial LAMA2 deficiency. Last evaluated: 2018-03-06. Review status: criteria provided, single submitter. Criteria: ICSL Variant Classification Criteria 13 December 2019. Collection method: clinical testing. Allele origin: germline.
Comment: This variant was observed in the ICSL laboratory as part of a predisposition screen in an ostensibly healthy population. It had not been previously curated by ICSL or reported in the Human Gene Mutation Database (HGMD: prior to June 1st, 2018), and was therefore a candidate for classification through an automated scoring system. Utilizing variant allele frequency, disease prevalence and penetrance estimates, and inheritance mode, an automated score was calculated to assess if this variant is too frequent to cause the disease. Based on the score and internal cut-off values, a variant classified as benign is not then subjected to further curation. The score for this variant resulted in a classification of benign for this disease.

Eurofins Ntd Llc (ga)
Classification: Benign. Last evaluated: 2016-01-20. Review status: criteria provided, single submitter. Criteria: EGL Classification Definitions 2015. Collection method: clinical testing. Allele origin: germline. Observed: 14 variant alleles, 12 heterozygotes, 2 homozygotes.

GeneDx
Classification: Benign. Last evaluated: 2016-01-19. Review status: criteria provided, single submitter. Criteria: GeneDx Variant Classification (06012015). Collection method: clinical testing. Allele origin: germline. Affected: yes.
Comment: This variant is considered likely benign or benign based on one or more of the following criteria: it is a conservative change, it occurs at a poorly conserved position in the protein, it is predicted to be benign by multiple in silico algorithms, and/or has population frequency not consistent with disease.

Genetic Services Laboratory, University of Chicago
Classification: Benign for AllHighlyPenetrant. Last evaluated: 2013-09-10. Review status: criteria provided, single submitter. Criteria: ACMG Guidelines, 2007. Collection method: clinical testing. Allele origin: germline. Inheritance: Autosomal recessive inheritance.

Breakthrough Genomics
Classification: Likely benign. Review status: criteria provided, single submitter. Criteria: ACMG Guidelines, 2015. Collection method: not provided. Allele origin: germline. Inheritance: Autosomal recessive inheritance. Affected: yes.

PreventionGenetics, part of Exact Sciences
Classification: Benign. Review status: criteria provided, single submitter. Criteria: ACMG Guidelines, 2015. Collection method: clinical testing. Allele origin: germline.

Clinical Genetics, Academic Medical Center
Classification: Likely benign. Review status: no assertion criteria provided. Collection method: clinical testing. Allele origin: germline. Affected: yes. Study: VKGL Data-share Consensus. Not counted in ClinVar's aggregate classification.

Diagnostic Laboratory, Department of Genetics, University Medical Center Groningen
Classification: Benign for Merosin deficient congenital muscular dystrophy. Review status: no assertion criteria provided. Collection method: clinical testing. Allele origin: germline. Affected: yes. Study: VKGL Data-share Consensus. Not counted in ClinVar's aggregate classification.

Genome Diagnostics Laboratory, University Medical Center Utrecht
Classification: Benign. Review status: no assertion criteria provided. Collection method: clinical testing. Allele origin: germline. Affected: yes. Study: VKGL Data-share Consensus. Not counted in ClinVar's aggregate classification.

Joint Genome Diagnostic Labs from Nijmegen and Maastricht, Radboudumc and MUMC+
Classification: Benign. Review status: no assertion criteria provided. Collection method: clinical testing. Allele origin: germline. Affected: yes. Study: VKGL Data-share Consensus. Not counted in ClinVar's aggregate classification.